The following is an entry in ClinVar:

ClinVar aggregate classification (germline): Likely pathogenic (1 of 4 stars; one submission).

Conditions:
Microcephaly 18, primary, autosomal dominant (MCPH18). Identifiers: MedGen C4479608, MONDO:0054593, OMIM 617520.

Submission:

Laboratorio de Genetica e Diagnostico Molecular, Hospital Israelita Albert Einstein
Classification: Likely pathogenic for Microcephaly 18, primary, autosomal dominant. Last evaluated: 2025-05-05. Review status: criteria provided, single submitter. Criteria: ACMG Guidelines, 2015. Collection method: clinical testing. Allele origin: germline. Affected: yes.
Comment: ACMG classification criteria: PVS1 very strong, PM2 supporting

NM_014991.6(WDFY3):c.5929_5932del (p.Thr1977fs)

Gene: WDFY3 (WD repeat and FYVE domain containing 3; minus strand). Cytogenetic location: 4q21.23.
Variant type: Deletion.
Coding change: c.5929_5932del on transcript NM_014991.6 (MANE Select); coding-DNA positions 5929 to 5932, 4 bases deleted (ACTC; older notation c.5929_5932delACTC).
Protein change: p.Thr1977fs; shifts the reading frame from threonine 1977.
Molecular consequence: frameshift variant.
Genome position (GRCh38, 1-based): chr4:84,751,524-84,751,527, GAGT deleted on the plus strand (ACTC on the coding strand, the reverse complement: WDFY3 is on the minus strand); deleting any 4 consecutive bases within chr4:84,751,524-84,751,530 gives the same sequence; the c. name uses the placement nearest the transcript's 3' end. VCF-style (leftmost placement, unchanged base first): chr4-84751523-GGAGT-G. GRCh37 (hg19) VCF-style: chr4-85672676-GGAGT-G.
Other names: short protein forms T1977fs.
Identifiers: ClinVar variation 4076316 (VCV004076316.1).